The following is an entry in ClinVar:

NM_015570.4(AUTS2):c.2008C>T (p.Gln670Ter)

Gene: AUTS2 (activator of transcription and developmental regulator AUTS2; plus strand). Cytogenetic location: 7q11.22.
Variant type: single nucleotide variant.
Coding change: c.2008C>T on transcript NM_015570.4 (MANE Select); coding-DNA position 2008, C replaced by T.
Protein change: p.Gln670Ter; replaces glutamine 670 with a stop codon.
Molecular consequence: nonsense.
Genome position (GRCh38, 1-based): chr7:70,781,618, C>T. VCF-style: chr7-70781618-C-T. GRCh37 (hg19) VCF-style: chr7-70246604-C-T.
Other names: c.1936C>T, p.Gln646Ter (NM_001127231.3); short protein forms Q670*, Q646*.
Identifiers: ClinVar variation 1457603 (VCV001457603.6), dbSNP rs1490328774, ClinGen allele CA367662999.
Genomic context (GRCh38, chr7:70,781,618, plus strand): 5'-ACACCTTTATTCCTTGCTGTTGGCCTTGGGACCCTTACTGTTCCCCTTGCTGTGTAGAAA[C>T]AGATGCAGTCAGACCCACATAAGCTGGACTTTGGACTGAAACCTGAGTTCCTGAGCCGCC-3'

ClinVar aggregate classification (germline): Pathogenic (1 of 4 stars; one submission).

Submission:

Labcorp Genetics (formerly Invitae), Labcorp
Classification: Pathogenic. Last evaluated: 2021-02-05. Review status: criteria provided, single submitter. Criteria: Invitae Variant Classification Sherloc (09022015). Collection method: clinical testing. Allele origin: germline.
Comment: For these reasons, this variant has been classified as Pathogenic. This variant has not been reported in the literature in individuals with AUTS2-related conditions. This variant is not present in population databases (ExAC no frequency). This sequence change creates a premature translational stop signal (p.Gln670*) in the AUTS2 gene. It is expected to result in an absent or disrupted protein product. Loss-of-function variants in AUTS2 are known to be pathogenic (PMID: 25205402, 27075013).

Literature cited by the submitters: PubMed 25205402; PubMed 27075013.